The following is an entry in ClinVar:

NM_000719.7(CACNA1C):c.1983C>A (p.Phe661Leu)

Gene: CACNA1C (calcium voltage-gated channel subunit alpha1 C; plus strand). Cytogenetic location: 12p13.33.
Variant type: single nucleotide variant.
Coding change: c.1983C>A on transcript NM_000719.7 (MANE Select); coding-DNA position 1983, C replaced by A.
Protein change: p.Phe661Leu; replaces phenylalanine 661 with leucine.
Molecular consequence: missense variant.
Genome position (GRCh38, 1-based): chr12:2,581,677, C>A. VCF-style: chr12-2581677-C-A. GRCh37 (hg19) VCF-style: chr12-2690843-C-A.
Other names: c.1983C>A, p.Phe661Leu (NM_001129827.2, NM_001129829.2, NM_001129830.3 and 18 more transcripts); c.1974C>A, p.Phe658Leu (NM_001129844.2); short protein forms F658L, F661L.
Identifiers: ClinVar variation 3262711 (VCV003262711.1).

ClinVar aggregate classification (germline): Uncertain significance (1 of 4 stars; one submission).

Conditions:
Cardiovascular phenotype. Identifiers: MedGen CN230736.

Submission:

Ambry Genetics
Classification: Uncertain significance for Cardiovascular phenotype. Last evaluated: 2024-03-22. Review status: criteria provided, single submitter. Criteria: Ambry Variant Classification Scheme 2023. Collection method: clinical testing. Allele origin: germline.
Comment: The p.F661L variant (also known as c.1983C>A), located in coding exon 14 of the CACNA1C gene, results from a C to A substitution at nucleotide position 1983. The phenylalanine at codon 661 is replaced by leucine, an amino acid with highly similar properties. This amino acid position is highly conserved in available vertebrate species. In addition, this alteration is predicted to be deleterious by in silico analysis. Based on the available evidence, the clinical significance of this alteration remains unclear.